The following is an entry in ClinVar:

ClinVar aggregate classification (germline): Conflicting classifications of pathogenicity. Review status: criteria provided, conflicting classifications (1 of 4 stars). 3 submissions from 3 submitters: Uncertain significance (1); Benign (1). 1 of the submissions does not count toward it. Last evaluated 2025-10-02.

Conditions:
WNT7A-related disorder. Also called: WNT7A-related condition.

Allele frequency attached by ClinVar (database versions not stated): TOPMed 0.00103; gnomAD 0.00113 and 0.00100; ESP Exome Variant Server 0.00077; 1000 Genomes Project 0.00080; 1000 Genomes Project 30x 0.00094.

Submissions (3):

Labcorp Genetics (formerly Invitae), Labcorp
Classification: Benign. Last evaluated: 2025-10-02. Review status: criteria provided, single submitter. Criteria: Invitae Variant Classification Sherloc (09022015). Collection method: clinical testing. Allele origin: germline.

Eurofins Ntd Llc (ga)
Classification: Uncertain significance. Last evaluated: 2016-10-11. Review status: criteria provided, single submitter. Criteria: EGL Classification Definitions 2015. Collection method: clinical testing. Allele origin: germline. Observed: 1 variant allele, 1 heterozygote.

PreventionGenetics, part of Exact Sciences
Classification: Likely benign for WNT7A-related condition. Last evaluated: 2019-08-08. Review status: no assertion criteria provided. Collection method: clinical testing. Allele origin: germline. Not counted in ClinVar's aggregate classification.
Comment: This variant is classified as likely benign based on ACMG/AMP sequence variant interpretation guidelines (Richards et al. 2015 PMID: 25741868, with internal and published modifications).

NM_004625.4(WNT7A):c.213C>T (p.Asp71=)

Gene: WNT7A (Wnt family member 7A; minus strand). Cytogenetic location: 3p25.1.
Variant type: single nucleotide variant.
Coding change: c.213C>T on transcript NM_004625.4 (MANE Select); coding-DNA position 213, C replaced by T.
Protein change: p.Asp71=; no amino-acid change (aspartic acid 71 retained).
Molecular consequence: synonymous variant.
Genome position (GRCh38, 1-based): chr3:13,875,032, G>A on the plus strand (C>T on the coding strand, the complement: WNT7A is on the minus strand). VCF-style: chr3-13875032-G-A. GRCh37 (hg19) VCF-style: chr3-13916529-G-A.
Identifiers: ClinVar variation 497708 (VCV000497708.17), dbSNP rs75651130, ClinGen allele CA2266530.